The following is an entry in ClinVar:

NM_001267550.2(TTN):c.101347A>C (p.Lys33783Gln)

Genes: TTN-AS1 (TTN antisense RNA 1; plus strand), TTN (titin; minus strand). Cytogenetic location: 2q31.2.
Variant type: single nucleotide variant.
Coding change: c.101347A>C on transcript NM_001267550.2 (MANE Select); coding-DNA position 101347, A replaced by C.
Protein change: p.Lys33783Gln; replaces lysine 33783 with glutamine.
Molecular consequence: missense variant.
Genome position (GRCh38, 1-based): chr2:178,535,268, T>G on the plus strand (A>C on the coding strand, the complement: TTN is on the minus strand). VCF-style: chr2-178535268-T-G. GRCh37 (hg19) VCF-style: chr2-179399995-T-G.
Other names: c.96424A>C, p.Lys32142Gln (NM_001256850.1); c.74152A>C, p.Lys24718Gln (NM_003319.4); c.93643A>C, p.Lys31215Gln (NM_133378.4); c.74527A>C, p.Lys24843Gln (NM_133432.3); c.74728A>C, p.Lys24910Gln (NM_133437.4); short protein forms K24718Q, K24843Q, K24910Q, K31215Q, K32142Q, K33783Q.
Identifiers: ClinVar variation 928500 (VCV000928500.4), dbSNP rs1690916622, ClinGen allele CA349420918.

ClinVar aggregate classification (germline): Uncertain significance. Review status: criteria provided, multiple submitters, no conflicts (2 of 4 stars). 2 submissions from 2 submitters: Uncertain significance (2). Last evaluated 2020-04-03.

Submissions (2):

Revvity Omics, Revvity
Classification: Uncertain significance. Last evaluated: 2020-04-03. Review status: criteria provided, single submitter. Criteria: ACMG Guidelines, 2015. Collection method: clinical testing. Allele origin: germline.

Women's Health and Genetics/Laboratory Corporation of America, LabCorp
Classification: Uncertain significance. Last evaluated: 2019-09-16. Review status: criteria provided, single submitter. Criteria: LabCorp Variant Classification Summary - May 2015. Collection method: clinical testing. Allele origin: germline.
Comment: Variant summary: TTN c.93643A>C (p.Lys31215Gln) results in a conservative amino acid change located in the M-band region of the encoded protein sequence. Three of five in-silico tools predict a damaging effect of the variant on protein function. The variant was absent in 249116 control chromosomes. The available data on variant occurrences in the general population are insufficient to allow any conclusion about variant significance. To our knowledge, no occurrence of c.93643A>C in individuals affected with Cardiomyopathy and no experimental evidence demonstrating its impact on protein function have been reported. No clinical diagnostic laboratories have submitted clinical-significance assessments for this variant to ClinVar after 2014. Based on the evidence outlined above, the variant was classified as uncertain significance.